The following is an entry in ClinVar:

ClinVar aggregate classification (germline): Conflicting classifications of pathogenicity. Review status: criteria provided, conflicting classifications (1 of 4 stars). 8 submissions from 8 submitters: Uncertain significance (1); Benign (1); Likely benign (5). 1 of the submissions does not count toward it. Last evaluated 2025-08-10.

Conditions:
Hereditary nonpolyposis colorectal neoplasms. Identifiers: MedGen C0009405, MeSH D003123.
Hereditary cancer-predisposing syndrome. Also called: Tumor predisposition; Hereditary neoplastic syndrome; Hereditary Cancer Syndrome; Neoplastic Syndromes, Hereditary. Identifiers: Orphanet 140162, MedGen C0027672, MeSH D009386, MONDO:0015356.
Lynch syndrome. Identifiers: Orphanet 144, MedGen C4552100, MONDO:0005835. Disease mechanism: loss of function.
Lynch syndrome 5 (LYNCH5). Also called: Hereditary non-polyposis colorectal cancer, type 5; Colorectal cancer, hereditary nonpolyposis, type 5. Identifiers: Orphanet 144, MedGen C1833477, MONDO:0013710, OMIM 614350. Disease mechanism: loss of function.
Malignant tumor of breast. Also called: Malignant breast neoplasm; Cancer breast. Identifiers: MedGen C0006142, MONDO:0007254. Disease mechanism: loss of function.

Allele frequency attached by ClinVar (database versions not stated): gnomAD exomes below 0.00001; gnomAD 0.00001; TOPMed 0.00001.
gnomAD v4.1: 9 of 1,613,960 alleles (0.00056%); highest among the groups gnomAD compares: Non-Finnish European, 0.00068%; no homozygotes.

Submissions (8):

Labcorp Genetics (formerly Invitae), Labcorp
Classification: Likely benign for Hereditary nonpolyposis colorectal neoplasms. Last evaluated: 2025-08-10. Review status: criteria provided, single submitter. Criteria: Invitae Variant Classification Sherloc (09022015). Collection method: clinical testing. Allele origin: germline.

Myriad Genetics, Inc.
Classification: Benign for Lynch syndrome 5. Last evaluated: 2024-12-18. Review status: criteria provided, single submitter. Criteria: Myriad Autosomal Dominant, Autosomal Recessive and X-Linked Classification Criteria (2023). Collection method: clinical testing. Allele origin: unknown.
Comment: This variant is considered benign. This variant is a silent/synonymous amino acid change and it is not expected to impact splicing.

All of Us Research Program, National Institutes of Health
Classification: Likely benign for Lynch syndrome. Last evaluated: 2023-06-28. Review status: criteria provided, single submitter. Criteria: ACMG Guidelines, 2015. Collection method: clinical testing. Allele origin: germline. Inheritance: Autosomal dominant inheritance. Observed: 2 variant alleles, 2 heterozygotes.
Comment: This study involves interpretation of variants in research participants for the purpose of population health screening. Participant phenotype was not available at the time of variant classification. Additional details can be found in publication PMID: 35346344, PMCID: PMC8962531

CeGaT Center for Human Genetics Tuebingen
Classification: Likely benign. Last evaluated: 2023-04-01. Review status: criteria provided, single submitter. Criteria: CeGaT Center For Human Genetics Tuebingen Variant Classification Criteria Version 2. Collection method: clinical testing. Allele origin: germline. Affected: yes. Observed: 1 variant allele.
Comment: MSH6: BP4, BP7

Color Diagnostics, LLC DBA Color Health
Classification: Likely benign for Hereditary cancer-predisposing syndrome. Last evaluated: 2019-06-10. Review status: criteria provided, single submitter. Criteria: ACMG Guidelines, 2015. Collection method: clinical testing. Allele origin: germline.

GeneDx
Classification: Uncertain significance. Last evaluated: 2017-05-31. Review status: criteria provided, single submitter. Criteria: GeneDx Variant Classification (06012015). Collection method: clinical testing. Allele origin: germline. Affected: yes.
Comment: This variant is denoted MSH6 c.432C>T at the DNA level. Although this variant is silent at the coding level, preserving a Serine at codon 144, it is predicted to cause abnormal splicing. However, in the absence of RNA or functional studies, the actual effect of this variant is unknown. This variant has not, to our knowledge, been published in the literature as pathogenic or benign. MSH6 c.432C>T was not observed in large population cohorts (NHLBI Exome Sequencing Project, The 1000 Genomes Consortium 2015, Lek 2016). The nucleotide which is altered, a cytosine (C) at base 432, is not conserved. Based on currently available information, it is unclear whether MSH6 c.432C>T is a pathogenic or benign variant. We consider it to be a variant of uncertain significance.

Ambry Genetics
Classification: Likely benign for Hereditary cancer-predisposing syndrome. Last evaluated: 2016-05-13. Review status: criteria provided, single submitter. Criteria: Ambry Variant Classification Scheme 2023. Collection method: clinical testing. Allele origin: germline.

Department of Pathology and Laboratory Medicine, Sinai Health System
Classification: Uncertain significance for Malignant tumor of breast. Review status: no assertion criteria provided. Collection method: clinical testing. Allele origin: unknown. Affected: yes. Study: The Canadian Open Genetics Repository (COGR). Not counted in ClinVar's aggregate classification.
Comment: The MSH6 p.Ser144= variant was not identified in the literature nor was it identified in the GeneInsight-COGR, Cosmic, UMD-LSDB, Zhejiang University, Mismatch Repair Genes Variant Database, MMR Gene Unclassified Variants Database, or Insight Hereditary Tumors databases. The variant was identified in dbSNP (ID: rs1046304919) as "With Likely benign allele", and in ClinVar (classified as likely benign by Invite and Ambry Genetics; as uncertain significance by GeneDx). The variant was identified in control databases in 1 of 246240 chromosomes at a frequency of 0.000004 (Genome Aggregation Database Feb 27, 2017). The variant was identified in the European population in 1 of 111692 chromosomes (freq: 0.00001), while the variant was not observed in the African, Other, Latino, Ashkenazi Jewish, East Asian, Finnish, and South Asian populations. The p.Ser144= variant is not expected to have clinical significance because it does not result in a change of amino acid and is not located in a known consensus splice site. The variant occurs outside of the splicing consensus sequence and 3 of 5 in silico or computational prediction software programs (SpliceSiteFinder, MaxEntScan, NNSPLICE, GeneSplicer, HumanSpliceFinder) predict a greater than 10% difference in splicing. However, this information is not predictive enough to assume pathogenicity. In summary, based on the above information the clinical significance of this variant cannot be determined with certainty at this time. This variant is classified as a variant of uncertain significance.

NM_000179.3(MSH6):c.432C>T (p.Ser144=)

Gene: MSH6 (mutS homolog 6; plus strand). Cytogenetic location: 2p16.3.
Variant type: single nucleotide variant.
Coding change: c.432C>T on transcript NM_000179.3 (MANE Select); coding-DNA position 432, C replaced by T.
Protein change: p.Ser144=; no amino-acid change (serine 144 retained).
Molecular consequence: synonymous variant. On other transcripts: 5 prime UTR variant (2), intron variant (1).
Genome position (GRCh38, 1-based): chr2:47,791,098, C>T. VCF-style: chr2-47791098-C-T. GRCh37 (hg19) VCF-style: chr2-48018237-C-T.
Other names: c.-305C>T (NM_001281493.2); c.-471C>T (NM_001281494.2); c.238-7513C>T (NM_001281492.2).
Identifiers: ClinVar variation 416187 (VCV000416187.49), dbSNP rs1046304919, ClinGen allele CA16610852.